The following is an entry in ClinVar:

ClinVar aggregate classification (germline): Uncertain significance. Review status: criteria provided, multiple submitters, no conflicts (2 of 4 stars). 4 submissions from 4 submitters: Uncertain significance (3). 1 of the submissions does not count toward it. Last evaluated 2025-04-09.

Conditions:
Obesity. Also called: Obesity disorder. Identifiers: Orphanet 71529, MedGen C0028754, MeSH D009765, MONDO:0011122, HP:0001513.

Allele frequency attached by ClinVar (database versions not stated): ExAC 0.00012; gnomAD 0.00014; TOPMed 0.00023; gnomAD exomes 0.00024.
gnomAD v4.1: 283 of 1,551,324 alleles (0.018%); highest among the groups gnomAD compares: Middle Eastern, 0.05%; no homozygotes.

Submissions (4):

Ambry Genetics
Classification: Uncertain significance. Last evaluated: 2025-04-09. Review status: criteria provided, single submitter. Criteria: Ambry Variant Classification Scheme 2023. Collection method: clinical testing. Allele origin: germline.

Fulgent Genetics
Classification: Uncertain significance for Inherited obesity. Last evaluated: 2022-03-14. Review status: criteria provided, single submitter. Criteria: ACMG Guidelines, 2015. Collection method: clinical testing. Allele origin: unknown.

Breakthrough Genomics
Classification: Uncertain significance. Review status: criteria provided, single submitter. Criteria: ACMG Guidelines, 2015. Collection method: not provided. Allele origin: germline. Inheritance: Autosomal recessive inheritance. Affected: yes.

Department of Pathology and Laboratory Medicine, Sinai Health System
Classification: Uncertain significance. Review status: no assertion criteria provided. Collection method: clinical testing. Allele origin: unknown. Affected: yes. Study: The Canadian Open Genetics Repository (COGR). Not counted in ClinVar's aggregate classification.
Comment: The ADRB3 p.Asn338Ser variant was not identified in the literature nor was it identified in ClinVar, Cosmic or LOVD 3.0. The variant was identified in dbSNP (ID: rs200277866) and in control databases in 39 of 184090 chromosomes at a frequency of 0.000212 (Genome Aggregation Database Feb 27, 2017). The variant was observed in the following populations: Ashkenazi Jewish in 20 of 8718 chromosomes (freq: 0.002294), Latino in 5 of 25570 chromosomes (freq: 0.000196), Other in 1 of 5446 chromosomes (freq: 0.000184) and European (non-Finnish) in 13 of 72636 chromosomes (freq: 0.000179); it was not observed in the African, East Asian, European (Finnish) and South Asian populations. The variant occurs outside of the splicing consensus sequence and 3 of 4 in silico or computational prediction software programs (MaxEntScan, NNSPLICE, GeneSplicer) do not predict a difference in splicing. The p.Asn338 residue is conserved across mammals and other organisms, and four out of five computational analyses (PolyPhen-2, SIFT, AlignGVGD, MutationTaster) suggest that the variant may impact the protein; however, this information is not predictive enough to assume pathogenicity. In summary, based on the above information the clinical significance of this variant cannot be determined with certainty at this time. This variant is classified as a variant of uncertain significance.

NM_000025.3(ADRB3):c.1013A>G (p.Asn338Ser)

Gene: ADRB3 (adrenoceptor beta 3; minus strand). Cytogenetic location: 8p11.23.
Variant type: single nucleotide variant.
Coding change: c.1013A>G on transcript NM_000025.3 (MANE Select); coding-DNA position 1013, A replaced by G.
Protein change: p.Asn338Ser; replaces asparagine 338 with serine.
Molecular consequence: missense variant.
Genome position (GRCh38, 1-based): chr8:37,965,457, T>C on the plus strand (A>G on the coding strand, the complement: ADRB3 is on the minus strand). VCF-style: chr8-37965457-T-C. GRCh37 (hg19) VCF-style: chr8-37822975-T-C.
Other names: c.1013A>G (NM_000025.2); short protein forms N338S.
Identifiers: ClinVar variation 1050424 (VCV001050424.7), dbSNP rs200277866, ClinGen allele CA4714329.